The following is an entry in ClinVar:

NM_000245.4(MET):c.3853C>G (p.Pro1285Ala)

Gene: MET (MET proto-oncogene, receptor tyrosine kinase; plus strand). Cytogenetic location: 7q31.2.
Variant type: single nucleotide variant.
Coding change: c.3853C>G on transcript NM_000245.4 (MANE Select); coding-DNA position 3853, C replaced by G.
Protein change: p.Pro1285Ala; replaces proline 1285 with alanine.
Molecular consequence: missense variant.
Genome position (GRCh38, 1-based): chr7:116,795,709, C>G. VCF-style: chr7-116795709-C-G. GRCh37 (hg19) VCF-style: chr7-116435763-C-G.
Other names: c.3907C>G, p.Pro1303Ala (NM_001127500.3); c.2563C>G, p.Pro855Ala (NM_001324402.2); short protein forms P1303A, P1285A, P855A.
Identifiers: ClinVar variation 2453404 (VCV002453404.2), dbSNP rs267601244, ClinGen allele CA369117839.

ClinVar aggregate classification (germline): Uncertain significance (1 of 4 stars; one submission).

Conditions:
Hereditary cancer-predisposing syndrome. Also called: Neoplastic Syndromes, Hereditary; Tumor predisposition; Hereditary neoplastic syndrome; Hereditary Cancer Syndrome. Identifiers: Orphanet 140162, MedGen C0027672, MeSH D009386, MONDO:0015356.

Allele frequency attached by ClinVar (database versions not stated): gnomAD exomes below 0.00001.
gnomAD v4.1: 1 of 1,614,118 alleles (0.000062%); highest among the groups gnomAD compares: Non-Finnish European, 0.000085%; no homozygotes.

Submission:

Ambry Genetics
Classification: Uncertain significance for Hereditary cancer-predisposing syndrome. Last evaluated: 2023-02-10. Review status: criteria provided, single submitter. Criteria: Ambry Variant Classification Scheme 2023. Collection method: clinical testing. Allele origin: germline.
Comment: The p.P1303A variant (also known as c.3907C>G), located in coding exon 19 of the MET gene, results from a C to G substitution at nucleotide position 3907. The proline at codon 1303 is replaced by alanine, an amino acid with highly similar properties. This amino acid position is well conserved in available vertebrate species. In addition, the in silico prediction for this alteration is inconclusive. Since supporting evidence is limited at this time, the clinical significance of this alteration remains unclear.